The following is an entry in ClinVar:

NM_018062.4(FANCL):c.775+3A>G

Gene: FANCL (FA complementation group L; minus strand). Cytogenetic location: 2p16.1.
Variant type: single nucleotide variant.
Coding change: c.775+3A>G on transcript NM_018062.4 (MANE Select); 3 bases into the intron after coding-DNA position 775, A replaced by G.
Molecular consequence: intron variant.
Genome position (GRCh38, 1-based): chr2:58,163,431, T>C on the plus strand (A>G on the coding strand, the complement: FANCL is on the minus strand). VCF-style: chr2-58163431-T-C. GRCh37 (hg19) VCF-style: chr2-58390566-T-C.
Other names: c.820+3A>G (NM_001374615.1); c.790+3A>G (NM_001114636.2); c.835+3A>G (NM_001410792.1).
Identifiers: ClinVar variation 801716 (VCV000801716.5), dbSNP rs975755966, ClinGen allele CA48355582.

ClinVar aggregate classification (germline): Uncertain significance. Review status: criteria provided, multiple submitters, no conflicts (2 of 4 stars). 2 submissions from 2 submitters: Uncertain significance (2). Last evaluated 2020-03-29.

Conditions:
Fanconi anemia (FA). Also called: Fanconi's anemia. Identifiers: Orphanet 84, MedGen C0015625, MeSH D005199, MONDO:0019391.
Fanconi anemia complementation group A (FANCA). Also called: FANCA-Related Fanconi Anemia; Fanconi anemia, group A. Identifiers: Orphanet 84, MedGen C3469521, MONDO:0009215, OMIM 227650.

gnomAD v4.1: 3 of 1,599,966 alleles (0.00019%); highest among the groups gnomAD compares: South Asian, 0.0011%; no homozygotes.

Submissions (2):

Labcorp Genetics (formerly Invitae), Labcorp
Classification: Uncertain significance for Fanconi anemia. Last evaluated: 2020-03-29. Review status: criteria provided, single submitter. Criteria: Invitae Variant Classification Sherloc (09022015). Collection method: clinical testing. Allele origin: germline.
Comment: This sequence change falls in intron 9 of the FANCL gene. It does not directly change the encoded amino acid sequence of the FANCL protein, but it affects a nucleotide within the consensus splice site of the intron. This variant is not present in population databases (ExAC no frequency). This variant has not been reported in the literature in individuals with FANCL-related conditions. ClinVar contains an entry for this variant (Variation ID: 801716). Nucleotide substitutions within the consensus splice site are a relatively common cause of aberrant splicing (PMID: 17576681, 9536098). Algorithms developed to predict the effect of sequence changes on RNA splicing suggest that this variant may disrupt the consensus splice site, but this prediction has not been confirmed by published transcriptional studies. In summary, the available evidence is currently insufficient to determine the role of this variant in disease. Therefore, it has been classified as a Variant of Uncertain Significance.

Mendelics
Classification: Uncertain significance for Fanconi anemia complementation group A. Last evaluated: 2019-05-28. Review status: criteria provided, single submitter. Criteria: Mendelics Assertion Criteria 2017. Collection method: clinical testing. Allele origin: unknown.

Literature cited by the submitters: PubMed 17576681 (cited by Labcorp Genetics (formerly Invitae), Labcorp); PubMed 9536098 (cited by Labcorp Genetics (formerly Invitae), Labcorp).